The following is an entry in ClinVar:

NM_003072.5(SMARCA4):c.795C>T (p.Pro265=)

Gene: SMARCA4 (SWI/SNF related BAF chromatin remodeling complex subunit ATPase 4; plus strand). Cytogenetic location: 19p13.2.
Variant type: single nucleotide variant.
Coding change: c.795C>T on transcript NM_003072.5 (MANE Select); coding-DNA position 795, C replaced by T.
Protein change: p.Pro265=; no amino-acid change (proline 265 retained).
Molecular consequence: synonymous variant. On other transcripts: non-coding transcript variant (1).
Genome position (GRCh38, 1-based): chr19:10,986,939, C>T. VCF-style: chr19-10986939-C-T. GRCh37 (hg19) VCF-style: chr19-11097615-C-T.
Other names: c.795C>T, p.Pro265= (NM_001128844.3, NM_001128845.2, NM_001128846.2 and 4 more transcripts).
Identifiers: ClinVar variation 705658 (VCV000705658.17), dbSNP rs758191018, ClinGen allele CA9203581.

ClinVar aggregate classification (germline): Likely benign. Review status: criteria provided, multiple submitters, no conflicts (2 of 4 stars). 4 submissions from 4 submitters: Likely benign (4). Last evaluated 2025-09-28.

Conditions:
Hereditary cancer-predisposing syndrome. Also called: Neoplastic Syndromes, Hereditary; Tumor predisposition; Hereditary Cancer Syndrome; Hereditary neoplastic syndrome. Identifiers: Orphanet 140162, MedGen C0027672, MeSH D009386, MONDO:0015356.
SMARCA4-related disorder. Also called: SMARCA4-related condition.
Rhabdoid tumor predisposition syndrome 2 (RTPS2). Identifiers: Orphanet 231108, Orphanet 69077, MedGen C2750074, MONDO:0013224, OMIM 613325.

Allele frequency attached by ClinVar (database versions not stated): ExAC 0.00001; gnomAD 0.00001; gnomAD exomes 0.00001; TOPMed 0.00001.

Submissions (4):

Labcorp Genetics (formerly Invitae), Labcorp
Classification: Likely benign for Rhabdoid tumor predisposition syndrome 2. Last evaluated: 2025-09-28. Review status: criteria provided, single submitter. Criteria: Invitae Variant Classification Sherloc (09022015). Collection method: clinical testing. Allele origin: germline.

PreventionGenetics, part of Exact Sciences
Classification: Likely benign for SMARCA4-related condition. Last evaluated: 2024-10-11. Review status: criteria provided, single submitter. Criteria: ACMG Guidelines, 2015. Collection method: clinical testing. Allele origin: germline.
Comment: This variant is classified as likely benign based on ACMG/AMP sequence variant interpretation guidelines (Richards et al. 2015 PMID: 25741868, with internal and published modifications).

Quest Diagnostics Nichols Institute San Juan Capistrano
Classification: Likely benign. Last evaluated: 2022-10-07. Review status: criteria provided, single submitter. Criteria: Quest Diagnostics criteria. Collection method: clinical testing. Allele origin: unknown.

Ambry Genetics
Classification: Likely benign for Hereditary cancer-predisposing syndrome. Last evaluated: 2017-10-18. Review status: criteria provided, single submitter. Criteria: Ambry Variant Classification Scheme 2023. Collection method: clinical testing. Allele origin: germline.